The following is an entry in ClinVar:

NM_005609.4(PYGM):c.278G>T (p.Gly93Val)

Gene: PYGM (glycogen phosphorylase, muscle associated; minus strand). Cytogenetic location: 11q13.1.
Variant type: single nucleotide variant.
Coding change: c.278G>T on transcript NM_005609.4 (MANE Select); coding-DNA position 278, G replaced by T.
Protein change: p.Gly93Val; replaces glycine 93 with valine.
Molecular consequence: missense variant. On other transcripts: intron variant (1).
Genome position (GRCh38, 1-based): chr11:64,758,670, C>A on the plus strand (G>T on the coding strand, the complement: PYGM is on the minus strand). VCF-style: chr11-64758670-C-A. GRCh37 (hg19) VCF-style: chr11-64526142-C-A.
Other names: c.244-404G>T (NM_001164716.1); short protein forms G93V.
Identifiers: ClinVar variation 427042 (VCV000427042.1), dbSNP rs1085307918, ClinGen allele CA381111386.

ClinVar aggregate classification (germline): Likely pathogenic (1 of 4 stars; one submission).

Submission:

GeneDx
Classification: Likely pathogenic. Last evaluated: 2015-07-28. Review status: criteria provided, single submitter. Criteria: GeneDx Variant Classification (06012015). Collection method: clinical testing. Allele origin: germline. Affected: yes.
Comment: The G93V variant in the PYGM gene has not been published as a pathogenic variant, nor has it been reported as a benign polymorphism to our knowledge. The G93V variant was not observed in approximately 6,500 individuals of European and African American ancestry in the NHLBI Exome Sequencing Project, indicating it is not a common benign variant in these populations. The G93V variant is a conservative change at a position that is conserved across species. In silico analysis predicts this variant is probably damaging to the protein structure/function. Missense variants in nearby residues (I83F, R94W) have been reported in the Human Gene Mutation Database in association with McArdle disease (Stenson et al., 2014), supporting the functional importance of this region of the protein. The G93V variant is a strong candidate for a disease-causing variant, however the possibility it may be a rare benign variant cannot be excluded.